The following is an entry in ClinVar:

NM_001161352.2(KCNMA1):c.97C>T (p.His33Tyr)

Gene: KCNMA1 (potassium calcium-activated channel subfamily M alpha 1; minus strand). Cytogenetic location: 10q22.3.
Variant type: single nucleotide variant.
Coding change: c.97C>T on transcript NM_001161352.2 (MANE Select); coding-DNA position 97, C replaced by T.
Protein change: p.His33Tyr; replaces histidine 33 with tyrosine.
Molecular consequence: missense variant.
Genome position (GRCh38, 1-based): chr10:77,637,546, G>A on the plus strand (C>T on the coding strand, the complement: KCNMA1 is on the minus strand). VCF-style: chr10-77637546-G-A. GRCh37 (hg19) VCF-style: chr10-79397304-G-A.
Other names: c.97C>T, p.His33Tyr (NM_001014797.3, NM_001161353.2, NM_001271518.2 and 12 more transcripts); short protein forms H33Y.
Identifiers: ClinVar variation 1387266 (VCV001387266.6), dbSNP rs2093891400, ClinGen allele CA377412769.

ClinVar aggregate classification (germline): Uncertain significance (1 of 4 stars; one submission).

Conditions:
Generalized epilepsy-paroxysmal dyskinesia syndrome (PNKD3). Also called: Paroxysmal nonkinesigenic dyskinesia, 3, with or without generalized epilepsy; Generalized epilepsy and paroxysmal dyskinesia. Identifiers: Orphanet 79137, MedGen C5574945, MONDO:0012276, OMIM 609446.

Submission:

Labcorp Genetics (formerly Invitae), Labcorp
Classification: Uncertain significance for Generalized epilepsy-paroxysmal dyskinesia syndrome. Last evaluated: 2021-08-24. Review status: criteria provided, single submitter. Criteria: Invitae Variant Classification Sherloc (09022015). Collection method: clinical testing. Allele origin: germline.
Comment: In summary, the available evidence is currently insufficient to determine the role of this variant in disease. Therefore, it has been classified as a Variant of Uncertain Significance. Algorithms developed to predict the effect of missense changes on protein structure and function (SIFT, PolyPhen-2, Align-GVGD) all suggest that this variant is likely to be tolerated. This variant has not been reported in the literature in individuals affected with KCNMA1-related conditions. This variant is not present in population databases (ExAC no frequency). This sequence change replaces histidine with tyrosine at codon 33 of the KCNMA1 protein (p.His33Tyr). The histidine residue is weakly conserved and there is a moderate physicochemical difference between histidine and tyrosine.